The following is an entry in ClinVar:

ClinVar aggregate classification (germline): Likely benign (1 of 4 stars; one submission).

gnomAD v4.1: 7 of 1,611,100 alleles (0.00043%); highest among the groups gnomAD compares: Non-Finnish European, 0.00059%; no homozygotes.

Submission:

CeGaT Center for Human Genetics Tuebingen
Classification: Likely benign. Last evaluated: 2025-10-01. Review status: criteria provided, single submitter. Criteria: CeGaT Center For Human Genetics Tuebingen Variant Classification Criteria Version 2. Collection method: clinical testing. Allele origin: germline. Affected: yes. Observed: 1 variant allele.
Comment: TCF7L2: BP4, BP7

NM_001367943.1(TCF7L2):c.1269T>C (p.Tyr423=)

Gene: TCF7L2 (transcription factor 7 like 2; plus strand). Cytogenetic location: 10q25.3.
Variant type: single nucleotide variant.
Coding change: c.1269T>C on transcript NM_001367943.1 (MANE Select); coding-DNA position 1269, T replaced by C.
Protein change: p.Tyr423=; no amino-acid change (tyrosine 423 retained).
Molecular consequence: synonymous variant.
Genome position (GRCh38, 1-based): chr10:113,152,440, T>C. VCF-style: chr10-113152440-T-C. GRCh37 (hg19) VCF-style: chr10-114912199-T-C.
Other names: c.1269T>C, p.Tyr423= (NM_001146274.2, NM_001198531.2, NM_001363501.2); c.1341T>C, p.Tyr447= (NM_001146283.2); c.1188T>C, p.Tyr396= (NM_001146284.2, NM_001198527.2); c.1200T>C, p.Tyr400= (NM_001146285.2, NM_001146286.2, NM_001198526.2 and 3 more transcripts); c.1215T>C, p.Tyr405= (NM_001198525.2); c.1098T>C, p.Tyr366= (NM_001198530.2); c.840T>C, p.Tyr280= (NM_001349870.2); c.720T>C, p.Tyr240= (NM_001349871.1).
Identifiers: ClinVar variation 4534994 (VCV004534994.6).